The following is an entry in ClinVar:

NM_001267550.2(TTN):c.20260A>G (p.Lys6754Glu)

Genes: TTN (titin; minus strand), LOC126806429 (BRD4-independent group 4 enhancer GRCh37_chr2:179591393-179592592; plus strand). Cytogenetic location: 2q31.2.
Variant type: single nucleotide variant.
Coding change: c.20260A>G on transcript NM_001267550.2 (MANE Select); coding-DNA position 20260, A replaced by G.
Protein change: p.Lys6754Glu; replaces lysine 6754 with glutamic acid.
Molecular consequence: missense variant. On other transcripts: intron variant (3).
Genome position (GRCh38, 1-based): chr2:178,727,105, T>C on the plus strand (A>G on the coding strand, the complement: TTN is on the minus strand). VCF-style: chr2-178727105-T-C. GRCh37 (hg19) VCF-style: chr2-179591832-T-C.
Other names: c.16528A>G, p.Lys5510Glu (NM_133378.4); c.19309A>G, p.Lys6437Glu (NM_001256850.1); c.13282+10977A>G (NM_003319.4); c.13858+10977A>G (NM_133437.4); c.13657+10977A>G (NM_133432.3); c.20260A>G (NM_001267550.1); short protein forms K6754E, K5510E, K6437E.
Identifiers: ClinVar variation 46669 (VCV000046669.6), dbSNP rs397517494, ClinGen allele CA138908.

ClinVar aggregate classification (germline): Uncertain significance. Review status: criteria provided, multiple submitters, no conflicts (2 of 4 stars). 2 submissions from 2 submitters: Uncertain significance (2). Last evaluated 2023-05-19.

Allele frequency attached by ClinVar (database versions not stated): gnomAD exomes 0.00001.
gnomAD v4.1: 7 of 1,575,212 alleles (0.00044%); highest among the groups gnomAD compares: Non-Finnish European, 0.0006%; no homozygotes.

Submissions (2):

GeneDx
Classification: Uncertain significance. Last evaluated: 2023-05-19. Review status: criteria provided, single submitter. Criteria: GeneDx Variant Classification Process June 2021. Collection method: clinical testing. Allele origin: germline. Affected: yes.
Comment: Not observed at significant frequency in large population cohorts (gnomAD); Missense variant in a gene in which most reported pathogenic variants are truncating/loss of function; Has not been previously published as pathogenic or benign to our knowledge

Laboratory for Molecular Medicine, Mass General Brigham Personalized Medicine
Classification: Uncertain significance. Last evaluated: 2011-12-12. Review status: criteria provided, single submitter. Criteria: LMM Criteria. Collection method: clinical testing. Allele origin: germline. Observed: 1 variant allele.
Comment: The Lys5510Glu variant (TTN) has not been reported in the literature or previous ly identified by our laboratory. Lysine (Lys) at position 5510 is moderately con served in evolution (conserved in mammals, chicken, frog, but not in zebrafish) and it is unclear if the change would impact the protein. Computational tools (A lignGVGD and SIFT) do not provide strong support for or against pathogenicity, t hough the accuracy of these tools is unknown. Additional information is needed t o fully assess the clinical significance of the this variant.